The following is an entry in ClinVar:

NM_032608.7(MYO18B):c.3616C>T (p.Pro1206Ser)

Gene: MYO18B (myosin XVIIIB; plus strand). Cytogenetic location: 22q12.1.
Variant type: single nucleotide variant.
Coding change: c.3616C>T on transcript NM_032608.7 (MANE Select); coding-DNA position 3616, C replaced by T.
Protein change: p.Pro1206Ser; replaces proline 1206 with serine.
Molecular consequence: missense variant.
Genome position (GRCh38, 1-based): chr22:25,847,493, C>T. VCF-style: chr22-25847493-C-T. GRCh37 (hg19) VCF-style: chr22-26243460-C-T.
Other names: c.3616C>T (NM_032608.5); c.3619C>T, p.Pro1207Ser (NM_001318245.2); short protein forms P1206S, P1207S.
Identifiers: ClinVar variation 1408171 (VCV001408171.9), dbSNP rs199769850, ClinGen allele CA10160616.

ClinVar aggregate classification (germline): Conflicting classifications of pathogenicity. Review status: criteria provided, conflicting classifications (1 of 4 stars). 5 submissions from 5 submitters: Uncertain significance (4); Likely benign (1). Last evaluated 2026-01-24.

Conditions:
Inborn genetic diseases. Identifiers: MedGen C0950123, MeSH D030342.
Klippel-Feil anomaly-myopathy-facial dysmorphism syndrome. Also called: Klippel-Feil syndrome 4, autosomal recessive, with myopathy and facial dysmorphism; Klippel-feil syndrome 4, autosomal recessive, with nemaline myopathy and facial dysmorphism. Identifiers: Orphanet 447974, MedGen C4225285, MONDO:0014689, OMIM 616549.

Allele frequency attached by ClinVar (database versions not stated): gnomAD exomes 0.00014; gnomAD 0.00015 and 0.00017; ESP Exome Variant Server 0.00016; TOPMed 0.00017.
gnomAD v4.1: 230 of 1,582,446 alleles (0.015%); highest among the groups gnomAD compares: Middle Eastern, 0.13%; no homozygotes.

Submissions (5):

Labcorp Genetics (formerly Invitae), Labcorp
Classification: Uncertain significance. Last evaluated: 2026-01-24. Review status: criteria provided, single submitter. Criteria: Invitae Variant Classification Sherloc (09022015). Collection method: clinical testing. Allele origin: germline.
Comment: This sequence change replaces proline, which is neutral and non-polar, with serine, which is neutral and polar, at codon 1206 of the MYO18B protein (p.Pro1206Ser). This variant is present in population databases (rs199769850, gnomAD 0.02%). This variant has not been reported in the literature in individuals affected with MYO18B-related conditions. ClinVar contains an entry for this variant (Variation ID: 1408171). An algorithm developed to predict the effect of missense changes on protein structure and function outputs the following: PolyPhen-2: "Benign". The serine amino acid residue is found in multiple mammalian species, which suggests that this missense change does not adversely affect protein function. In summary, the available evidence is currently insufficient to determine the role of this variant in disease. Therefore, it has been classified as a Variant of Uncertain Significance.

Ambry Genetics
Classification: Uncertain significance for Inborn genetic diseases. Last evaluated: 2025-06-24. Review status: criteria provided, single submitter. Criteria: Ambry Variant Classification Scheme 2023. Collection method: clinical testing. Allele origin: germline.

Blueprint Genetics
Classification: Likely benign. Last evaluated: 2024-10-17. Review status: criteria provided, single submitter. Criteria: ACMG Guidelines, 2015. Collection method: clinical testing. Allele origin: germline.

Fulgent Genetics
Classification: Uncertain significance for Klippel-Feil anomaly-myopathy-facial dysmorphism syndrome. Last evaluated: 2022-01-12. Review status: criteria provided, single submitter. Criteria: ACMG Guidelines, 2015. Collection method: clinical testing. Allele origin: unknown.

Breakthrough Genomics
Classification: Uncertain significance. Review status: criteria provided, single submitter. Criteria: ACMG Guidelines, 2015. Collection method: not provided. Allele origin: germline. Inheritance: Autosomal dominant inheritance. Affected: yes.